The following continues an entry in ClinVar:

NM_003119.4(SPG7):c.2228T>C (p.Ile743Thr)

Gene: SPG7. ClinVar aggregate classification (germline): Pathogenic/Likely pathogenic. Pathogenic (19); Likely pathogenic (3).

Submissions 12 to 23 of 23:

MGZ Medical Genetics Center
Classification: Likely pathogenic for Hereditary spastic paraplegia 7. Last evaluated: 2021-12-21. Review status: criteria provided, single submitter. Criteria: ACMG Guidelines, 2015. Collection method: clinical testing. Allele origin: germline. Affected: yes. Observed: 1 variant allele.
Comment: ACMG criteria applied: PS4, PM3, PM2_SUP, PP1, PP3

Institute of Human Genetics Munich, TUM University Hospital
Classification: Pathogenic for Hereditary spastic paraplegia 7. Last evaluated: 2021-11-09. Review status: criteria provided, single submitter. Criteria: Classification criteria August 2017. Collection method: clinical testing. Allele origin: germline. Inheritance: Autosomal recessive inheritance. Affected: yes. Observed: 1 variant allele.

Genetics and Genomic Medicine Centre, NeuroGen Healthcare, NeuroGen Healthcare
Classification: Pathogenic for Hereditary spastic paraplegia 7. Last evaluated: 2021-07-24. Review status: criteria provided, single submitter. Criteria: Submitter's publication. Collection method: clinical testing. Allele origin: unknown. Affected: no.

Molecular Medicine for Neurodegenerative and Neuromuscular Diseases Unit, IRCCS Fondazione Stella Maris
Classification: Pathogenic for Spastic ataxia. Last evaluated: 2021-07-12. Review status: criteria provided, single submitter. Criteria: ACMG Guidelines, 2015. Collection method: research. Allele origin: unknown. Affected: yes.

Genome Diagnostics Laboratory, The Hospital for Sick Children
Classification: Pathogenic for Hereditary spastic paraplegia. Last evaluated: 2020-03-01. Review status: criteria provided, single submitter. Criteria: ACMG Guidelines, 2015. Collection method: clinical testing. Allele origin: germline. Affected: yes.

CeGaT Center for Human Genetics Tuebingen
Classification: Pathogenic. Last evaluated: 2019-05-01. Review status: criteria provided, single submitter. Criteria: CeGaT Center For Human Genetics Tuebingen Variant Classification Criteria Version 2. Collection method: clinical testing. Allele origin: germline. Affected: yes. Observed: 1 variant allele.

Genetic Services Laboratory, University of Chicago
Classification: Pathogenic for Spastic paraplegia 7, autosomal recessive. Last evaluated: 2017-05-17. Review status: criteria provided, single submitter. Criteria: ACMG Guidelines, 2015. Collection method: clinical testing. Allele origin: germline. Affected: yes.

Institute of Human Genetics, University Hospital of Duesseldorf
Classification: Pathogenic for Hereditary spastic paraplegia 7. Review status: criteria provided, single submitter. Criteria: ACMG Guidelines, 2015. Collection method: not provided. Allele origin: germline. Inheritance: Autosomal recessive inheritance. Affected: yes.

Lifecell International Pvt. Ltd
Classification: Likely pathogenic for Hereditary spastic paraplegia 7. Review status: criteria provided, single submitter. Criteria: ACMG Guidelines, 2015. Collection method: clinical testing. Allele origin: germline. Inheritance: Autosomal recessive inheritance. Affected: yes. Observed: 1 compound heterozygote.
Comment: A Heterozygous Missense variant c.2228T>C in Exon 17 of the SPG7 gene that results in the amino acid substitution p.Ile743Thr was identified. The observed variant has a minor allele frequency of 0.00005/0.00003% in gnomAD exomes and genomes, respectively. The severity of the impact of this variant on the protein is medium, based on the effect of the protein and REVEL score . Rare Exome Variant Ensemble Learner (REVEL) is an ensembl method for predicting the pathogenicity of missense variants based on a combination of scores from 13 individual tools: MutPred, FATHMM v2.3, VEST 3.0, PolyPhen-2, SIFT, PROVEAN, MutationAssessor, MutationTaster, LRT, GERP++, SiPhy, phyloP, and phastCons. The REVEL score for an individual missense variant can range from 0 to 1, with higher scores reflecting greater likelihood that the variant is disease-causing. ClinVar has also classified this variant as PathogenicLikelyPathogenic(Variant ID 215218). This variant has been previously reported in Pfeffer et al., 2015. Based on the above evidence this variant has been classified as Likely Pathogenic according to the ACMG guidelines.

Paris Brain Institute, Inserm - ICM
Classification: Pathogenic for Hereditary spastic paraplegia 7. Review status: criteria provided, single submitter. Criteria: ACMG Guidelines, 2015. Collection method: clinical testing. Allele origin: unknown. Affected: yes. Observed: 1 variant allele.

Tetreault Lab, University of Montreal Hospital Research Centre (CRCHUM)
Classification: Pathogenic for Spastic ataxia. Review status: criteria provided, single submitter. Criteria: ACMG Guidelines, 2015. Collection method: research. Allele origin: germline. Affected: yes. Observed: 1 compound heterozygote.
Comment: Missense variant of SPG7 predicted that is predicted to disrupt the function of the mitochondrial metalloprotease. The allele frequency is low (gnomAD AF = 4.95e-5) but the variant has previously been reported multiple times (13) through ClinVar for Hereditary Spastic Paraplegia 7, and spastic ataxia. In silico predictions support loss-of-function of the allele (CADD = 25.4; SIFT = 0.99). The metalloprotease is important for mitochondrial function, which correlates with the mitochondrial-related phenotypes of associated condition. Causes Spastic ataxia with episodic manifestations in compound heterozygosity with NM_003119.4 c.1861C>T.

Genomics England Pilot Project, Genomics England
Classification: Pathogenic for Hereditary spastic paraplegia 7. Review status: no assertion criteria provided. Criteria: ACGS Guidelines, 2016. Collection method: clinical testing. Allele origin: germline. Affected: yes. Not counted in ClinVar's aggregate classification.

Literature cited by the submitters: PubMed 18799786 (cited by 3 submitters); PubMed 27123479 (cited by 3 submitters); PubMed 22964162 (cited by 3 submitters); PubMed 24727571 (cited by Labcorp Genetics (formerly Invitae), Labcorp and Athena Diagnostics); PubMed 25681447 (cited by 3 submitters); PubMed 32816195 (cited by Athena Diagnostics and Women's Health and Genetics/Laboratory Corporation of America, LabCorp); PubMed 27790088 (cited by Athena Diagnostics); PubMed 30098094 (cited by Athena Diagnostics and Women's Health and Genetics/Laboratory Corporation of America, LabCorp); PubMed 29482223 (cited by Athena Diagnostics and Women's Health and Genetics/Laboratory Corporation of America, LabCorp); DOI 10.1038/ejhg.2015.240 (cited by Tetreault Lab, University of Montreal Hospital Research Centre (CRCHUM)).